The following is an entry in ClinVar:

ClinVar aggregate classification (germline): Uncertain significance (1 of 4 stars; one submission).

Conditions:
Hereditary cancer-predisposing syndrome. Also called: Neoplastic Syndromes, Hereditary; Hereditary Cancer Syndrome; Hereditary neoplastic syndrome; Tumor predisposition. Identifiers: Orphanet 140162, MedGen C0027672, MeSH D009386, MONDO:0015356.

Allele frequency attached by ClinVar (database versions not stated): gnomAD exomes below 0.00001.

Submission:

Ambry Genetics
Classification: Uncertain significance for Hereditary cancer-predisposing syndrome. Last evaluated: 2025-06-16. Review status: criteria provided, single submitter. Criteria: Ambry Variant Classification Scheme 2023. Collection method: clinical testing. Allele origin: germline.
Comment: The p.Y648C variant (also known as c.1943A>G), located in coding exon 17 of the TSC2 gene, results from an A to G substitution at nucleotide position 1943. The tyrosine at codon 648 is replaced by cysteine, an amino acid with highly dissimilar properties. This amino acid position is poorly conserved in available vertebrate species. In addition, this alteration is predicted to be tolerated by in silico analysis. Based on the available evidence, the clinical significance of this variant remains unclear.

NM_000548.5(TSC2):c.1943A>G (p.Tyr648Cys)

Gene: TSC2 (TSC complex subunit 2; plus strand). Cytogenetic location: 16p13.3.
Variant type: single nucleotide variant.
Coding change: c.1943A>G on transcript NM_000548.5 (MANE Select); coding-DNA position 1943, A replaced by G.
Protein change: p.Tyr648Cys; replaces tyrosine 648 with cysteine.
Molecular consequence: missense variant. On other transcripts: non-coding transcript variant (5).
Genome position (GRCh38, 1-based): chr16:2,071,613, A>G. VCF-style: chr16-2071613-A-G. GRCh37 (hg19) VCF-style: chr16-2121614-A-G.
Other names: c.1943A>G, p.Tyr648Cys (NM_001077183.3, NM_001114382.3, NM_001363528.2 and 6 more transcripts); c.1832A>G, p.Tyr611Cys (NM_001318827.2, NM_001406670.1, NM_001406678.1); c.1796A>G, p.Tyr599Cys (NM_001318829.2, NM_001406675.1, NM_001406676.1 and 1 more transcripts); c.1343A>G, p.Tyr448Cys (NM_001318831.2, NM_001406680.1, NM_001406682.1 and 6 more transcripts); c.1976A>G, p.Tyr659Cys (NM_001318832.2); c.2033A>G, p.Tyr678Cys (NM_001406667.1, NM_001406668.1); c.1931A>G, p.Tyr644Cys (NM_001406671.1, NM_001406673.1); c.1886A>G, p.Tyr629Cys (NM_001406677.1); and 3 more; short protein forms Y448C, Y611C, Y629C, Y114C, Y494C, Y599C, Y648C, Y200C.
Identifiers: ClinVar variation 2561943 (VCV002561943.3), dbSNP rs1204327898, ClinGen allele CA394273400.